The following is an entry in ClinVar:

ClinVar aggregate classification (germline): Uncertain significance (1 of 4 stars; one submission).

gnomAD v4.1: 7 of 1,613,866 alleles (0.00043%); highest among the groups gnomAD compares: Non-Finnish European, 0.00059%; no homozygotes.

Submission:

Labcorp Genetics (formerly Invitae), Labcorp
Classification: Uncertain significance. Last evaluated: 2021-08-14. Review status: criteria provided, single submitter. Criteria: Invitae Variant Classification Sherloc (09022015). Collection method: clinical testing. Allele origin: germline.
Comment: This sequence change replaces proline with arginine at codon 738 of the PCLO protein (p.Pro738Arg). The proline residue is moderately conserved and there is a moderate physicochemical difference between proline and arginine. This variant is present in population databases (rs771360219, ExAC 0.003%). This variant has not been reported in the literature in individuals affected with PCLO-related conditions. Algorithms developed to predict the effect of missense changes on protein structure and function are either unavailable or do not agree on the potential impact of this missense change (SIFT: "Tolerated"; PolyPhen-2: "Not Available"; Align-GVGD: "Class C0"). In summary, the available evidence is currently insufficient to determine the role of this variant in disease. Therefore, it has been classified as a Variant of Uncertain Significance.

NM_033026.6(PCLO):c.2213C>G (p.Pro738Arg)

Gene: PCLO (piccolo presynaptic cytomatrix protein; minus strand). Cytogenetic location: 7q21.11.
Variant type: single nucleotide variant.
Coding change: c.2213C>G on transcript NM_033026.6 (MANE Select); coding-DNA position 2213, C replaced by G.
Protein change: p.Pro738Arg; replaces proline 738 with arginine.
Molecular consequence: missense variant.
Genome position (GRCh38, 1-based): chr7:83,135,337, G>C on the plus strand (C>G on the coding strand, the complement: PCLO is on the minus strand). VCF-style: chr7-83135337-G-C. GRCh37 (hg19) VCF-style: chr7-82764653-G-C.
Other names: c.2213C>G, p.Pro738Arg (NM_014510.3); short protein forms P738R.
Identifiers: ClinVar variation 1469033 (VCV001469033.5), dbSNP rs771360219, ClinGen allele CA4321298.